The following is an entry in ClinVar:

ClinVar aggregate classification (germline): Benign (1 of 4 stars; one submission).

Allele frequency attached by ClinVar (database versions not stated): gnomAD 0.54119; 1000 Genomes Project 0.54932; 1000 Genomes Project 30x 0.55887; TOPMed 0.56681.
gnomAD v4.1: 583,992 of 1,112,108 alleles (53%); highest among the groups gnomAD compares: Admixed American, 69%; 156,451 homozygotes.

Submission:

GeneDx
Classification: Benign. Last evaluated: 2018-06-19. Review status: criteria provided, single submitter. Criteria: GeneDx Variant Classification (06012015). Collection method: clinical testing. Allele origin: germline. Affected: yes.
Comment: This variant is considered likely benign or benign based on one or more of the following criteria: it is a conservative change, it occurs at a poorly conserved position in the protein, it is predicted to be benign by multiple in silico algorithms, and/or has population frequency not consistent with disease.

NM_005908.4(MANBA):c.2415+142C>G

Gene: MANBA (mannosidase beta; minus strand). Cytogenetic location: 4q24.
Variant type: single nucleotide variant.
Coding change: c.2415+142C>G on transcript NM_005908.4 (MANE Select); 142 bases into the intron after coding-DNA position 2415, C replaced by G.
Molecular consequence: intron variant.
Genome position (GRCh38, 1-based): chr4:102,634,646, G>C on the plus strand (C>G on the coding strand, the complement: MANBA is on the minus strand). VCF-style: chr4-102634646-G-C. GRCh37 (hg19) VCF-style: chr4-103555803-G-C.
Identifiers: ClinVar variation 667477 (VCV000667477.1), dbSNP rs2272695, ClinGen allele CA11695952.